The following is an entry in ClinVar:

ClinVar aggregate classification (germline): Uncertain significance (1 of 4 stars; one submission).

Conditions:
Hereditary cancer-predisposing syndrome. Also called: Neoplastic Syndromes, Hereditary; Tumor predisposition; Hereditary neoplastic syndrome; Hereditary Cancer Syndrome. Identifiers: Orphanet 140162, MedGen C0027672, MeSH D009386, MONDO:0015356.

Submission:

Ambry Genetics
Classification: Uncertain significance for Hereditary cancer-predisposing syndrome. Last evaluated: 2019-03-18. Review status: criteria provided, single submitter. Criteria: Ambry Variant Classification Scheme 2023. Collection method: clinical testing. Allele origin: germline.
Comment: The p.K177T variant (also known as c.530A>C), located in coding exon 3 of the CHEK2 gene, results from an A to C substitution at nucleotide position 530. The lysine at codon 177 is replaced by threonine, an amino acid with similar properties. This amino acid position is well conserved in available vertebrate species. In addition, the in silico prediction for this alteration is inconclusive. Since supporting evidence is limited at this time, the clinical significance of this alteration remains unclear.

NM_007194.4(CHEK2):c.530A>C (p.Lys177Thr)

Gene: CHEK2 (checkpoint kinase 2; minus strand). Cytogenetic location: 22q12.1.
Variant type: single nucleotide variant.
Coding change: c.530A>C on transcript NM_007194.4 (MANE Select); coding-DNA position 530, A replaced by C.
Protein change: p.Lys177Thr; replaces lysine 177 with threonine.
Molecular consequence: missense variant. On other transcripts: 5 prime UTR variant (2), intron variant (1).
Genome position (GRCh38, 1-based): chr22:28,725,039, T>G on the plus strand (A>C on the coding strand, the complement: CHEK2 is on the minus strand). VCF-style: chr22-28725039-T-G. GRCh37 (hg19) VCF-style: chr22-29121027-T-G.
Other names: c.659A>C, p.Lys220Thr (NM_001005735.3, NM_001438294.1); c.-248A>C (NM_001257387.3); c.-134A>C (NM_001437942.1); c.623A>C, p.Lys208Thr (NM_001438293.1, NM_001438295.1); c.530A>C, p.Lys177Thr (NM_145862.3); c.445-116A>C (NM_001349956.3); short protein forms K177T, K220T, K208T.
Identifiers: ClinVar variation 825631 (VCV000825631.4), dbSNP rs1601823389, ClinGen allele CA411107290.